The following is an entry in ClinVar:

NM_001039141.3(TRIOBP):c.3202C>T (p.Arg1068Ter)

Gene: TRIOBP (TRIO and F-actin binding protein; plus strand). Cytogenetic location: 22q13.1.
Variant type: single nucleotide variant.
Coding change: c.3202C>T on transcript NM_001039141.3 (MANE Select); coding-DNA position 3202, C replaced by T.
Protein change: p.Arg1068Ter; replaces arginine 1068 with a stop codon.
Molecular consequence: nonsense.
Genome position (GRCh38, 1-based): chr22:37,725,758, C>T. VCF-style: chr22-37725758-C-T. GRCh37 (hg19) VCF-style: chr22-38121765-C-T.
Other names: short protein forms R1068*.
Identifiers: ClinVar variation 1494 (VCV000001494.4), dbSNP rs118204030, ClinGen allele CA251856.

ClinVar aggregate classification (germline): Pathogenic/Likely pathogenic. Review status: criteria provided, multiple submitters, no conflicts (2 of 4 stars). 3 submissions from 3 submitters: Pathogenic (1); Likely pathogenic (1). 1 of the submissions does not count toward it. Last evaluated 2026-03-05.

Conditions:
Autosomal recessive nonsyndromic hearing loss 28. Identifiers: Orphanet 90636, MedGen C1853276, MONDO:0012355, OMIM 609823.

Allele frequency attached by ClinVar (database versions not stated): TOPMed below 0.00001; ExAC 0.00001; gnomAD exomes 0.00001; gnomAD 0.00001.
gnomAD v4.1: 12 of 1,612,070 alleles (0.00074%); highest among the groups gnomAD compares: Admixed American, 0.0017%; no homozygotes.

Submissions (3):

Victorian Clinical Genetics Services, Murdoch Childrens Research Institute
Classification: Pathogenic for Autosomal recessive nonsyndromic hearing loss 28. Last evaluated: 2026-03-05. Review status: criteria provided, single submitter. Criteria: ACMG Guidelines, 2015. Collection method: clinical testing. Allele origin: germline. Affected: yes.
Comment: This variant is classified as Pathogenic. Evidence in support of pathogenic classification: Variant is predicted to cause nonsense-mediated decay (NMD) and loss of protein (premature termination codon is located at least 54 nucleotides upstream of the final exon-exon junction); Variant is present in gnomAD <0.01 for a recessive condition (v4: 12 heterozygote(s), 0 homozygote(s)); This variant has limited previous evidence of pathogenicity in unrelated individuals. This variant has been classified as likely pathogenic by a clinical laboratory in ClinVar and reported in a large family with non-syndromic deafness (PMID: 16385457); Other NMD-predicted variants comparable to the one identified in this case have very strong previous evidence for pathogenicity (DECIPHER). Additional information: This variant is homozygous; This gene is associated with autosomal recessive disease; Loss of function is a known mechanism of disease in this gene and is associated with autosomal recessive deafness 28 (MIM#609823); Inheritance information for this variant is not currently available in this individual.

Genomic Medicine Center of Excellence, King Faisal Specialist Hospital and Research Centre
Classification: Likely pathogenic for Autosomal recessive nonsyndromic hearing loss 28. Last evaluated: 2024-12-19. Review status: criteria provided, single submitter. Criteria: ACMG Guidelines, 2015. Collection method: clinical testing. Allele origin: germline.

OMIM
Classification: Pathogenic for DEAFNESS, AUTOSOMAL RECESSIVE 28. Last evaluated: 2006-01-01. Review status: no assertion criteria provided. Collection method: literature only. Allele origin: germline. Not counted in ClinVar's aggregate classification.

Literature cited by the submitters: PubMed 16385457 (cited by Victorian Clinical Genetics Services, Murdoch Childrens Research Institute and OMIM).